The following is an entry in ClinVar:

ClinVar aggregate classification (germline): Uncertain significance (1 of 4 stars; one submission).

gnomAD v4.1: 10 of 1,614,212 alleles (0.00062%); highest among the groups gnomAD compares: East Asian, 0.0022%; no homozygotes.

Submissions (2):

Ambry Genetics
Classification: Uncertain significance. Last evaluated: 2024-03-30. Review status: criteria provided, single submitter. Criteria: Ambry Variant Classification Scheme 2023. Collection method: clinical testing. Allele origin: germline.
Comment: The p.H1324R variant (also known as c.3971A>G), located in coding exon 4 of the ALPK2 gene, results from an A to G substitution at nucleotide position 3971. The histidine at codon 1324 is replaced by arginine, an amino acid with highly similar properties. This amino acid position is conserved. In addition, this alteration is predicted to be tolerated by in silico analysis. Since supporting evidence is limited at this time, the clinical significance of this alteration remains unclear.

Dr. Peter K. Rogan Lab, Western University
No classification provided (evidence only). Condition: Ovarian serous cystadenocarcinoma. Review status: no classification provided. Collection method: in vitro. Allele origin: not applicable. Functional consequence: retained intron. Not counted in ClinVar's aggregate classification.

NM_052947.4(ALPK2):c.3971A>G (p.His1324Arg)

Genes: ALPK2 (alpha kinase 2; minus strand), LOC126862764 (BRD4-independent group 4 enhancer GRCh37_chr18:56202574-56203773; plus strand). Cytogenetic location: 18q21.31.
Variant type: single nucleotide variant.
Coding change: c.3971A>G on transcript NM_052947.4 (MANE Select); coding-DNA position 3971, A replaced by G.
Protein change: p.His1324Arg; replaces histidine 1324 with arginine.
Molecular consequence: missense variant.
Genome position (GRCh38, 1-based): chr18:58,536,216, T>C on the plus strand (A>G on the coding strand, the complement: ALPK2 is on the minus strand). VCF-style: chr18-58536216-T-C. GRCh37 (hg19) VCF-style: chr18-56203448-T-C.
Other names: NC_000018.9:g.56203448T>C; short protein forms H1324R.
Identifiers: ClinVar variation 1736616 (VCV001736616.4), dbSNP rs1307195592, ClinGen allele CA402564947.